The following is an entry in ClinVar:

NM_024105.4(ALG12):c.1244A>G (p.Asp415Gly)

Gene: ALG12 (ALG12 alpha-1,6-mannosyltransferase; minus strand). Cytogenetic location: 22q13.33.
Variant type: single nucleotide variant.
Coding change: c.1244A>G on transcript NM_024105.4 (MANE Select); coding-DNA position 1244, A replaced by G.
Protein change: p.Asp415Gly; replaces aspartic acid 415 with glycine.
Molecular consequence: missense variant.
Genome position (GRCh38, 1-based): chr22:49,904,061, T>C on the plus strand (A>G on the coding strand, the complement: ALG12 is on the minus strand). VCF-style: chr22-49904061-T-C. GRCh37 (hg19) VCF-style: chr22-50297709-T-C.
Other names: short protein forms D415G.
Identifiers: ClinVar variation 597467 (VCV000597467.14), dbSNP rs201717237, ClinGen allele CA10300263.

ClinVar aggregate classification (germline): Uncertain significance. Review status: criteria provided, multiple submitters, no conflicts (2 of 4 stars). 4 submissions from 4 submitters: Uncertain significance (4). Last evaluated 2023-12-11.

Conditions:
ALG12-congenital disorder of glycosylation (CDG1G). Also called: Congenital disorder of glycosylation, type Ig; ALG12-CDG; CDG Ig. Identifiers: Orphanet 79324, MedGen C2931001, MONDO:0011783, OMIM 607143.
Inborn genetic diseases. Identifiers: MedGen C0950123, MeSH D030342.

Allele frequency attached by ClinVar (database versions not stated): ExAC 0.00002; TOPMed 0.00005; gnomAD 0.00006 and 0.00007; gnomAD exomes 0.00006.
gnomAD v4.1: 188 of 1,614,016 alleles (0.012%); highest among the groups gnomAD compares: Non-Finnish European, 0.015%; no homozygotes.

Submissions (4):

Labcorp Genetics (formerly Invitae), Labcorp
Classification: Uncertain significance for ALG12-congenital disorder of glycosylation. Last evaluated: 2023-12-11. Review status: criteria provided, single submitter. Criteria: Invitae Variant Classification Sherloc (09022015). Collection method: clinical testing. Allele origin: germline.
Comment: This sequence change replaces aspartic acid, which is acidic and polar, with glycine, which is neutral and non-polar, at codon 415 of the ALG12 protein (p.Asp415Gly). This variant is present in population databases (rs201717237, gnomAD 0.01%). This variant has not been reported in the literature in individuals affected with ALG12-related conditions. ClinVar contains an entry for this variant (Variation ID: 597467). An algorithm developed to predict the effect of missense changes on protein structure and function (PolyPhen-2) suggests that this variant is likely to be disruptive. In summary, the available evidence is currently insufficient to determine the role of this variant in disease. Therefore, it has been classified as a Variant of Uncertain Significance.

Ambry Genetics
Classification: Uncertain significance for Inborn genetic diseases. Last evaluated: 2021-07-19. Review status: criteria provided, single submitter. Criteria: Ambry Variant Classification Scheme 2023. Collection method: clinical testing. Allele origin: germline.

Eurofins Ntd Llc (ga)
Classification: Uncertain significance. Last evaluated: 2018-06-01. Review status: criteria provided, single submitter. Criteria: EGL ClinVar v180209 classification definitions. Collection method: clinical testing. Allele origin: germline. Observed: 1 variant allele, 1 heterozygote.

Illumina Laboratory Services, Illumina
Classification: Uncertain significance for ALG12-congenital disorder of glycosylation. Last evaluated: 2018-01-12. Review status: criteria provided, single submitter. Criteria: ICSL Variant Classification Criteria 13 December 2019. Collection method: clinical testing. Allele origin: germline.